The following is an entry in ClinVar:

ClinVar aggregate classification (germline): Uncertain significance. Review status: criteria provided, multiple submitters, no conflicts (2 of 4 stars). 2 submissions from 2 submitters: Uncertain significance (2). Last evaluated 2025-06-09.

Allele frequency attached by ClinVar (database versions not stated): gnomAD exomes 0.00002; gnomAD 0.00003; TOPMed 0.00006.

Submissions (2):

Labcorp Genetics (formerly Invitae), Labcorp
Classification: Uncertain significance. Last evaluated: 2025-06-09. Review status: criteria provided, single submitter. Criteria: Invitae Variant Classification Sherloc (09022015). Collection method: clinical testing. Allele origin: germline.
Comment: This sequence change replaces serine, which is neutral and polar, with alanine, which is neutral and non-polar, at codon 2 of the STAT4 protein (p.Ser2Ala). This variant is present in population databases (no rsID available, gnomAD 0.003%). This variant has not been reported in the literature in individuals affected with STAT4-related conditions. ClinVar contains an entry for this variant (Variation ID: 1988806). An algorithm developed to predict the effect of missense changes on protein structure and function outputs the following: PolyPhen-2: "Benign". The alanine amino acid residue is found in multiple mammalian species, which suggests that this missense change does not adversely affect protein function. In summary, the available evidence is currently insufficient to determine the role of this variant in disease. Therefore, it has been classified as a Variant of Uncertain Significance.

Ambry Genetics
Classification: Uncertain significance. Last evaluated: 2024-08-01. Review status: criteria provided, single submitter. Criteria: Ambry Variant Classification Scheme 2023. Collection method: clinical testing. Allele origin: germline.

NM_003151.4(STAT4):c.4T>G (p.Ser2Ala)

Gene: STAT4 (signal transducer and activator of transcription 4; minus strand). Cytogenetic location: 2q32.3.
Variant type: single nucleotide variant.
Coding change: c.4T>G on transcript NM_003151.4 (MANE Select); coding-DNA position 4, T replaced by G.
Protein change: p.Ser2Ala; replaces serine 2 with alanine.
Molecular consequence: missense variant.
Genome position (GRCh38, 1-based): chr2:191,148,200, A>C on the plus strand (T>G on the coding strand, the complement: STAT4 is on the minus strand). VCF-style: chr2-191148200-A-C. GRCh37 (hg19) VCF-style: chr2-192012926-A-C.
Other names: c.4T>G (NM_003151.3); c.4T>G, p.Ser2Ala (NM_001243835.2); short protein forms S2A.
Identifiers: ClinVar variation 1988806 (VCV001988806.5), dbSNP rs906280014, ClinGen allele CA62986893.
Genomic context (GRCh38, chr2:191,148,200, plus strand): 5'-AGAATTGATCCACCTGCTCCAAAAACTTGATTTCTAACTGTTGGACTTGATTCCACTGAG[A>C]CATGCTATAAAAGAAGGTGTAGAATTAGAGTTTTAAAATATTGTTCATAGCCCTAGTACA-3'
Protein context (NP_003142.1, residues 1-12): M[Ser2Ala]QWNQVQQLEI